The following is an entry in ClinVar:

NM_007294.4(BRCA1):c.5083T>G (p.Phe1695Val)

Gene: BRCA1 (BRCA1 DNA repair associated; minus strand). Cytogenetic location: 17q21.31.
Variant type: single nucleotide variant.
Coding change: c.5083T>G on transcript NM_007294.4 (MANE Select); coding-DNA position 5083, T replaced by G.
Protein change: p.Phe1695Val; replaces phenylalanine 1695 with valine.
Molecular consequence: missense variant. On other transcripts: non-coding transcript variant (1).
Genome position (GRCh38, 1-based): chr17:43,063,943, A>C on the plus strand (T>G on the coding strand, the complement: BRCA1 is on the minus strand). VCF-style: chr17-43063943-A-C. GRCh37 (hg19) VCF-style: chr17-41215960-A-C.
Other names: c.1651T>G, p.Phe551Val (NM_001408429.1, NM_001408430.1, NM_001408431.1 and 4 more transcripts); c.1648T>G, p.Phe550Val (NM_001408432.1, NM_001408433.1, NM_001408434.1 and 10 more transcripts); c.1645T>G, p.Phe549Val (NM_001408447.1, NM_001408448.1, NM_001408450.1 and 2 more transcripts); c.1639T>G, p.Phe547Val (NM_001408451.1); c.1633T>G, p.Phe545Val (NM_001408452.1, NM_001408453.1, NM_001408454.1 and 3 more transcripts); c.1630T>G, p.Phe544Val (NM_001408467.1, NM_001408458.1, NM_001408459.1 and 7 more transcripts); c.1627T>G, p.Phe543Val (NM_001408468.1, NM_001408469.1, NM_001408470.1); c.1771T>G, p.Phe591Val (NM_001408472.1, NM_007298.4, NM_007299.4 and 13 more transcripts); and 71 more; short protein forms F1695V, F591V, F1716V, F1648V, F614V, F827V, F1583V, F1605V.
Identifiers: ClinVar variation 869009 (VCV000869009.5), dbSNP rs2051934276, ClinGen allele CA10591355.

ClinVar aggregate classification (germline): Pathogenic (0 of 4 stars; one submission).

Conditions:
Breast-ovarian cancer, familial, susceptibility to, 1 (BROVCA1). Also called: BRCA1 Hereditary Breast and Ovarian Cancer; OVARIAN CANCER, SUSCEPTIBILITY TO. Identifiers: Orphanet 145, MedGen C2676676, MONDO:0011450, OMIM 604370. Disease mechanism: loss of function.

Submissions (2):

Brotman Baty Institute, University of Washington
No classification provided (evidence only). Condition: Breast-ovarian cancer, familial 1. Review status: no classification provided. Collection method: in vitro. Allele origin: not applicable. Functional consequence: functionally_abnormal. Not counted in ClinVar's aggregate classification.
ClinVar note: "not provided" was previously submitted as the classification for the variant. However, the classification appeared to be based only on an observation of functional data so it was converted to no classification on 2025-07-30.

Center for Translational Medicine, First Affiliated Hospital of Xi'an Jiaotong University
Classification: Pathogenic for Breast-ovarian cancer, familial, susceptibility to, 1. Review status: no assertion criteria provided. Collection method: clinical testing. Allele origin: germline. Affected: yes. Observed: 1 heterozygote.